The following is an entry in ClinVar:

NM_002769.5(PRSS1):c.601G>C (p.Gly201Arg)

Genes: PRSS1 (serine protease 1; plus strand), TRB (T cell receptor beta locus; plus strand). Cytogenetic location: 7q34.
Variant type: single nucleotide variant.
Coding change: c.601G>C on transcript NM_002769.5 (MANE Select); coding-DNA position 601, G replaced by C.
Protein change: p.Gly201Arg; replaces glycine 201 with arginine.
Molecular consequence: missense variant. On other transcripts: non-coding transcript variant (5).
Genome position (GRCh38, 1-based): chr7:142,752,877, G>C. VCF-style: chr7-142752877-G-C. GRCh37 (hg19) VCF-style: chr7-142460728-G-C.
Other names: short protein forms G201R.
Identifiers: ClinVar variation 1751119 (VCV001751119.7), dbSNP rs1412477456, ClinGen allele CA369610585.
Genomic context (GRCh38, chr7:142,752,877, plus strand): 5'-GCTATATTCCTCCTCCATCTCTCCATACAACTTGTCCCTTCTTCCCCCCAGGGTGATTCT[G>C]GTGGCCCTGTGGTCTGCAATGGACAGCTCCAAGGAGTTGTCTCCTGGGGTGATGGCTGTG-3'
Protein context (NP_002760.1, residues 191-211): GGKDSCQGDS[Gly201Arg]GPVVCNGQLQ

ClinVar aggregate classification (germline): Uncertain significance. Review status: criteria provided, multiple submitters, no conflicts (2 of 4 stars). 2 submissions from 2 submitters: Uncertain significance (2). Last evaluated 2025-06-02.

Conditions:
Hereditary pancreatitis (PCTT). Also called: Hereditary chronic pancreatitis; PRSS1-Related Hereditary Pancreatitis. Identifiers: Orphanet 676, MedGen C0238339, MONDO:0008185, OMIM 167800.

Allele frequency attached by ClinVar (database versions not stated): gnomAD exomes 0.00001; gnomAD 0.00002.
gnomAD v4.1: 11 of 1,613,944 alleles (0.00068%); highest among the groups gnomAD compares: Non-Finnish European, 0.00093%; no homozygotes.

Submissions (2):

Labcorp Genetics (formerly Invitae), Labcorp
Classification: Uncertain significance for Hereditary pancreatitis. Last evaluated: 2025-06-02. Review status: criteria provided, single submitter. Criteria: Invitae Variant Classification Sherloc (09022015). Collection method: clinical testing. Allele origin: germline.
Comment: This sequence change replaces glycine, which is neutral and non-polar, with arginine, which is basic and polar, at codon 201 of the PRSS1 protein (p.Gly201Arg). The frequency data for this variant in the population databases is considered unreliable, as metrics indicate poor data quality at this position in the gnomAD database. This variant has not been reported in the literature in individuals affected with PRSS1-related conditions. ClinVar contains an entry for this variant (Variation ID: 1751119). Invitae Evidence Modeling of protein sequence and biophysical properties (such as structural, functional, and spatial information, amino acid conservation, physicochemical variation, residue mobility, and thermodynamic stability) indicates that this missense variant is expected to disrupt PRSS1 protein function with a positive predictive value of 80%. In summary, the available evidence is currently insufficient to determine the role of this variant in disease. Therefore, it has been classified as a Variant of Uncertain Significance.

Ambry Genetics
Classification: Uncertain significance for Hereditary pancreatitis. Last evaluated: 2024-05-31. Review status: criteria provided, single submitter. Criteria: Ambry Variant Classification Scheme 2023. Collection method: clinical testing. Allele origin: germline.
Comment: The p.G201R variant (also known as c.601G>C), located in coding exon 5 of the PRSS1 gene, results from a G to C substitution at nucleotide position 601. The glycine at codon 201 is replaced by arginine, an amino acid with dissimilar properties. In addition, this alteration is predicted to be deleterious by in silico analysis. Since supporting evidence is limited at this time, the clinical significance of this alteration remains unclear.